The following is an entry in ClinVar:

ClinVar aggregate classification (germline): Uncertain significance (1 of 4 stars; one submission).

Conditions:
Hao-Fountain syndrome due to USP7 mutation. Also called: USP7-Related Hao Fountain Syndrome. Identifiers: Orphanet 643538, MedGen C5816734, MONDO:0958071, OMIM 616863.

gnomAD v4.1: 1 of 1,614,122 alleles (0.000062%); highest among the groups gnomAD compares: African/African-American, 0.0013%; no homozygotes.

Submission:

3billion
Classification: Uncertain significance for Hao-Fountain syndrome due to USP7 mutation. Last evaluated: 2023-06-08. Review status: criteria provided, single submitter. Criteria: ACMG Guidelines, 2015. Collection method: clinical testing. Allele origin: germline. Affected: yes.
Comment: The variant is not observed in the gnomAD v2.1.1 dataset. Predicted Consequence/Location: Missense changes are a common disease-causing mechanism. Therefore, this variant is classified as VUS according to the recommendation of ACMG/AMP guideline.

NM_003470.3(USP7):c.2951A>G (p.Lys984Arg)

Gene: USP7 (ubiquitin specific peptidase 7; minus strand). Cytogenetic location: 16p13.2.
Variant type: single nucleotide variant.
Coding change: c.2951A>G on transcript NM_003470.3 (MANE Select); coding-DNA position 2951, A replaced by G.
Protein change: p.Lys984Arg; replaces lysine 984 with arginine.
Molecular consequence: missense variant. On other transcripts: non-coding transcript variant (1).
Genome position (GRCh38, 1-based): chr16:8,895,119, T>C on the plus strand (A>G on the coding strand, the complement: USP7 is on the minus strand). VCF-style: chr16-8895119-T-C. GRCh37 (hg19) VCF-style: chr16-8988976-T-C.
Other names: c.2903A>G, p.Lys968Arg (NM_001286457.2); c.2654A>G, p.Lys885Arg (NM_001286458.2); c.2777A>G, p.Lys926Arg (NM_001321858.2); short protein forms K885R, K926R, K968R, K984R.
Identifiers: ClinVar variation 3775930 (VCV003775930.1).
Genomic context (GRCh38, chr16:8,895,119, plus strand): 5'-CCGAACGTTCCGAAGACCTCTTTGTGGAAATGCGCCACTGTGACAAGCATCTCATTCTCT[T>C]TGTCTATGTCCACCTGGTCCAAAGGGATTTCCTGGGGACACGGACAACAGACACAGTTCT-3'
Protein context (NP_003461.2, residues 974-994): EIPLDQVDID[Lys984Arg]ENEMLVTVAH